The following is an entry in ClinVar:

NM_014363.6(SACS):c.1716G>A (p.Leu572=)

Gene: SACS (sacsin molecular chaperone; minus strand). Cytogenetic location: 13q12.12.
Variant type: single nucleotide variant.
Coding change: c.1716G>A on transcript NM_014363.6 (MANE Select); coding-DNA position 1716, G replaced by A.
Protein change: p.Leu572=; no amino-acid change (leucine 572 retained).
Molecular consequence: synonymous variant.
Genome position (GRCh38, 1-based): chr13:23,354,896, C>T on the plus strand (G>A on the coding strand, the complement: SACS is on the minus strand). VCF-style: chr13-23354896-C-T. GRCh37 (hg19) VCF-style: chr13-23929035-C-T.
Other names: c.1275G>A, p.Leu425= (NM_001278055.2).
Identifiers: ClinVar variation 1156780 (VCV001156780.13), dbSNP rs780596882, ClinGen allele CA6911862.

ClinVar aggregate classification (germline): Likely benign. Review status: criteria provided, multiple submitters, no conflicts (2 of 4 stars). 2 submissions from 2 submitters: Likely benign (2). Last evaluated 2026-01-01.

Conditions:
Spastic paraplegia. Identifiers: MedGen C0037772, HP:0001258.

Allele frequency attached by ClinVar (database versions not stated): gnomAD exomes below 0.00001 and 0.00001; ExAC 0.00001.
gnomAD v4.1: 2 of 1,614,196 alleles (0.00012%); highest among the groups gnomAD compares: Non-Finnish European, 0.00017%; no homozygotes.

Submissions (2):

CeGaT Center for Human Genetics Tuebingen
Classification: Likely benign. Last evaluated: 2026-01-01. Review status: criteria provided, single submitter. Criteria: CeGaT Center For Human Genetics Tuebingen Variant Classification Criteria Version 2. Collection method: clinical testing. Allele origin: germline. Affected: yes. Observed: 1 variant allele.
Comment: SACS: BP4, BP7

Labcorp Genetics (formerly Invitae), Labcorp
Classification: Likely benign for Spastic paraplegia. Last evaluated: 2025-10-13. Review status: criteria provided, single submitter. Criteria: Invitae Variant Classification Sherloc (09022015). Collection method: clinical testing. Allele origin: germline.